The following is an entry in ClinVar:

NM_001130004.2(ACTN1):c.2427+6G>A

Gene: ACTN1 (actinin alpha 1; minus strand). Cytogenetic location: 14q24.1.
Variant type: single nucleotide variant.
Coding change: c.2427+6G>A on transcript NM_001130004.2 (MANE Select); 6 bases into the intron after coding-DNA position 2427, G replaced by A.
Molecular consequence: intron variant.
Genome position (GRCh38, 1-based): chr14:68,878,452, C>T on the plus strand (G>A on the coding strand, the complement: ACTN1 is on the minus strand). VCF-style: chr14-68878452-C-T. GRCh37 (hg19) VCF-style: chr14-69345169-C-T.
Other names: c.2098-1212G>A (NM_001424029.1); c.2163+6G>A (NM_001424027.1); c.2178+537G>A (NM_001424025.1, NM_001424019.1); c.2244+6G>A (NM_001424024.1); c.2281-1212G>A (NM_001424023.1); c.2346+6G>A (NM_001130005.2, NM_001424014.1); c.2361+537G>A (NM_001102.4, NM_001424012.1); c.2370+6G>A (NM_001411035.1); and 11 more.
Identifiers: ClinVar variation 2956192 (VCV002956192.3), dbSNP rs755816705, ClinGen allele CA7242006.

ClinVar aggregate classification (germline): Uncertain significance (1 of 4 stars; one submission).

Allele frequency attached by ClinVar (database versions not stated): gnomAD exomes below 0.00001; TOPMed below 0.00001; ExAC 0.00001.
gnomAD v4.1: 6 of 1,545,804 alleles (0.00039%); highest among the groups gnomAD compares: Non-Finnish European, 0.00052%; no homozygotes.

Submission:

Labcorp Genetics (formerly Invitae), Labcorp
Classification: Uncertain significance. Last evaluated: 2023-04-09. Review status: criteria provided, single submitter. Criteria: Invitae Variant Classification Sherloc (09022015). Collection method: clinical testing. Allele origin: germline.
Comment: In summary, the available evidence is currently insufficient to determine the role of this variant in disease. Therefore, it has been classified as a Variant of Uncertain Significance. Variants that disrupt the consensus splice site are a relatively common cause of aberrant splicing (PMID: 17576681, 9536098). Algorithms developed to predict the effect of sequence changes on RNA splicing suggest that this variant is not likely to affect RNA splicing. This variant has not been reported in the literature in individuals affected with ACTN1-related conditions. This variant is present in population databases (rs755816705, gnomAD 0.002%). This sequence change falls in intron 20 of the ACTN1 gene. It does not directly change the encoded amino acid sequence of the ACTN1 protein. It affects a nucleotide within the consensus splice site.

Literature cited by the submitters: PubMed 17576681; PubMed 9536098.